The following is an entry in ClinVar:

ClinVar aggregate classification (germline): Uncertain significance. Review status: criteria provided, multiple submitters, no conflicts (2 of 4 stars). 2 submissions from 2 submitters: Uncertain significance (2). Last evaluated 2024-10-03.

Conditions:
Heterotopia, periventricular, X-linked dominant (PVNH1). Also called: PERIVENTRICULAR NODULAR HETEROTOPIA 1; X-linked periventricular heterotopia; PERIVENTRICULAR NODULAR HETEROTOPIA 4; HETEROTOPIA, PERIVENTRICULAR, 1. Identifiers: Orphanet 2149, Orphanet 82004, MedGen C1848213, MONDO:0010233, OMIM 300049.
Melnick-Needles syndrome (MNS). Also called: MELNICK-NEEDLES OSTEODYSPLASTY; OSTEODYSPLASTY OF MELNICK AND NEEDLES; Melnick-Needles Syndrome (FLNA-MNS). Identifiers: Orphanet 2484, MedGen C0025237, MONDO:0010650, OMIM 309350.
Frontometaphyseal dysplasia (FMD1). Identifiers: Orphanet 1826, MedGen C0265293, MONDO:0015942.
Oto-palato-digital syndrome, type II (OPD2). Also called: FACIOPALATOOSSEOUS SYNDROME; OPD II SYNDROME; Otopalatodigital Syndrome Type 2 (FLNA-OPD2); Otopalatodigital Syndrome, Type II. Identifiers: Orphanet 669, Orphanet 90652, MedGen C1844696, MONDO:0010571, OMIM 304120.

Submissions (2):

Labcorp Genetics (formerly Invitae), Labcorp
Classification: Uncertain significance for Oto-palato-digital syndrome, type II; Heterotopia, periventricular, X-linked dominant; Frontometaphyseal dysplasia; Melnick-Needles syndrome. Last evaluated: 2024-10-03. Review status: criteria provided, single submitter. Criteria: Invitae Variant Classification Sherloc (09022015). Collection method: clinical testing. Allele origin: germline.
Comment: This sequence change replaces proline, which is neutral and non-polar, with serine, which is neutral and polar, at codon 2386 of the FLNA protein (p.Pro2386Ser). This variant is not present in population databases (gnomAD no frequency). This variant has not been reported in the literature in individuals affected with FLNA-related conditions. ClinVar contains an entry for this variant (Variation ID: 1205061). Invitae Evidence Modeling of protein sequence and biophysical properties (such as structural, functional, and spatial information, amino acid conservation, physicochemical variation, residue mobility, and thermodynamic stability) has been performed for this missense variant. However, the output from this modeling did not meet the statistical confidence thresholds required to predict the impact of this variant on FLNA protein function. In summary, the available evidence is currently insufficient to determine the role of this variant in disease. Therefore, it has been classified as a Variant of Uncertain Significance.

GeneDx
Classification: Uncertain significance. Last evaluated: 2020-02-07. Review status: criteria provided, single submitter. Criteria: GeneDx Variant Classification Process June 2021. Collection method: clinical testing. Allele origin: germline. Affected: yes.
Comment: Not observed in large population cohorts (Lek et al., 2016); In silico analysis supports that this missense variant has a deleterious effect on protein structure/function; Has not been previously published as pathogenic or benign to our knowledge

NM_001110556.2(FLNA):c.7180C>T (p.Pro2394Ser)

Gene: FLNA (filamin A; minus strand). Cytogenetic location: Xq28.
Variant type: single nucleotide variant.
Coding change: c.7180C>T on transcript NM_001110556.2 (MANE Select); coding-DNA position 7180, C replaced by T.
Protein change: p.Pro2394Ser; replaces proline 2394 with serine.
Molecular consequence: missense variant.
Genome position (GRCh38, 1-based): chrX:154,350,184, G>A on the plus strand (C>T on the coding strand, the complement: FLNA is on the minus strand). VCF-style: chrX-154350184-G-A. GRCh37 (hg19) VCF-style: chrX-153578552-G-A.
Other names: c.7156C>T, p.Pro2386Ser (NM_001456.4); short protein forms P2386S, P2394S.
Identifiers: ClinVar variation 1205061 (VCV001205061.11), dbSNP rs2148101380, ClinGen allele CA415184386.
Genomic context (GRCh38, chrX:154,350,184, plus strand): 5'-TTCCAGGGATGTGGGTGCCGTTGAACTTGACGTCAATCAGGTAAACGCCATTCTCCCGAG[G>A]GATGAAGCGCACAGCATACTTATCTGAGGAGCAGGGAGTCATGCTGTGGGCCTGGGGCCC-3'
Protein context (NP_001104026.1, residues 2384-2404): DQDKYAVRFI[Pro2394Ser]RENGVYLIDV